The following is an entry in ClinVar:

NM_001206927.2(DNAH8):c.3232A>G (p.Met1078Val)

Gene: DNAH8 (dynein axonemal heavy chain 8; plus strand). Cytogenetic location: 6p21.2.
Variant type: single nucleotide variant.
Coding change: c.3232A>G on transcript NM_001206927.2 (MANE Select); coding-DNA position 3232, A replaced by G.
Protein change: p.Met1078Val; replaces methionine 1078 with valine.
Molecular consequence: missense variant.
Genome position (GRCh38, 1-based): chr6:38,807,691, A>G. VCF-style: chr6-38807691-A-G. GRCh37 (hg19) VCF-style: chr6-38775467-A-G.
Other names: c.2581A>G, p.Met861Val (NM_001371.4); short protein forms M861V, M1078V.
Identifiers: ClinVar variation 845940 (VCV000845940.9), dbSNP rs1426079117, ClinGen allele CA363996622.
Genomic context (GRCh38, chr6:38,807,691, plus strand): 5'-TTTTTCTCTCATCAATTACTAGACAGTCTTCAAAAAGCTACACGGTTATCTCTGGACACA[A>G]TGAAAAGAAGAATATTTGTTGCAAGGCAAGTTGAAAATATGCTAATTATGTCTGGTAATC-3'
Protein context (NP_001193856.1, residues 1068-1088): QKATRLSLDT[Met1078Val]KRRIFVASLY

ClinVar aggregate classification (germline): Uncertain significance (1 of 4 stars; one submission).

Conditions:
Primary ciliary dyskinesia. Also called: Ciliary dyskinesia. Identifiers: Orphanet 244, MedGen C0008780, MONDO:0016575, HP:0012265.

Allele frequency attached by ClinVar (database versions not stated): gnomAD exomes below 0.00001; TOPMed 0.00001.

Submission:

Labcorp Genetics (formerly Invitae), Labcorp
Classification: Uncertain significance for Primary ciliary dyskinesia. Last evaluated: 2022-04-23. Review status: criteria provided, single submitter. Criteria: Invitae Variant Classification Sherloc (09022015). Collection method: clinical testing. Allele origin: germline.
Comment: Algorithms developed to predict the effect of missense changes on protein structure and function are either unavailable or do not agree on the potential impact of this missense change (SIFT: "Deleterious"; PolyPhen-2: "Not Available"; Align-GVGD: "Class C0"). In summary, the available evidence is currently insufficient to determine the role of this variant in disease. Therefore, it has been classified as a Variant of Uncertain Significance. Algorithms developed to predict the effect of sequence changes on RNA splicing suggest that this variant may create or strengthen a splice site. ClinVar contains an entry for this variant (Variation ID: 845940). This variant has not been reported in the literature in individuals affected with DNAH8-related conditions. This variant is not present in population databases (gnomAD no frequency). This sequence change replaces methionine, which is neutral and non-polar, with valine, which is neutral and non-polar, at codon 1078 of the DNAH8 protein (p.Met1078Val).